The following is an entry in ClinVar:

NM_003924.4(PHOX2B):c.856T>C (p.Ser286Pro)

Gene: PHOX2B (paired like homeobox 2B; minus strand). Cytogenetic location: 4p13.
Variant type: single nucleotide variant.
Coding change: c.856T>C on transcript NM_003924.4 (MANE Select); coding-DNA position 856, T replaced by C.
Protein change: p.Ser286Pro; replaces serine 286 with proline.
Molecular consequence: missense variant.
Genome position (GRCh38, 1-based): chr4:41,745,896, A>G on the plus strand (T>C on the coding strand, the complement: PHOX2B is on the minus strand). VCF-style: chr4-41745896-A-G. GRCh37 (hg19) VCF-style: chr4-41747913-A-G.
Other names: short protein forms S286P.
Identifiers: ClinVar variation 5026619 (VCV005026619.1).

ClinVar aggregate classification (germline): Uncertain significance (1 of 4 stars; one submission).

Conditions:
Hereditary cancer-predisposing syndrome. Also called: Neoplastic Syndromes, Hereditary; Tumor predisposition; Hereditary neoplastic syndrome; Hereditary Cancer Syndrome. Identifiers: Orphanet 140162, MedGen C0027672, MeSH D009386, MONDO:0015356.

Submission:

Ambry Genetics
Classification: Uncertain significance for Hereditary cancer-predisposing syndrome. Last evaluated: 2026-07-07. Review status: criteria provided, single submitter. Criteria: Ambry Variant Classification Scheme 2023. Collection method: clinical testing. Allele origin: germline.
Comment: The p.S286P variant (also known as c.856T>C), located in coding exon 3 of the PHOX2B gene, results from a T to C substitution at nucleotide position 856. The serine at codon 286 is replaced by proline, an amino acid with similar properties. This amino acid position is conserved. In addition, this alteration is predicted to be tolerated by in silico analysis. Based on the available evidence, the clinical significance of this variant remains unclear.